The following is an entry in ClinVar:

NM_017415.3(KLHL3):c.526+5G>T

Gene: KLHL3 (kelch like family member 3; minus strand). Cytogenetic location: 5q31.2.
Variant type: single nucleotide variant.
Coding change: c.526+5G>T on transcript NM_017415.3 (MANE Select); 5 bases into the intron after coding-DNA position 526, G replaced by T.
Molecular consequence: intron variant.
Genome position (GRCh38, 1-based): chr5:137,692,280, C>A on the plus strand (G>T on the coding strand, the complement: KLHL3 is on the minus strand). VCF-style: chr5-137692280-C-A. GRCh37 (hg19) VCF-style: chr5-137027969-C-A.
Other names: c.430+5G>T (NM_001257194.1); c.280+5G>T (NM_001257195.2).
Identifiers: ClinVar variation 2184396 (VCV002184396.5), dbSNP rs370397920, ClinGen allele CA3422480.

ClinVar aggregate classification (germline): Uncertain significance. Review status: criteria provided, multiple submitters, no conflicts (2 of 4 stars). 2 submissions from 2 submitters: Uncertain significance (2). Last evaluated 2024-01-05.

Conditions:
Pseudohypoaldosteronism type 2D (PHA2D). Also called: FAMILIAL HYPERKALEMIC HYPERTENSION; PSEUDOHYPOALDOSTERONISM, TYPE IID, AUTOSOMAL DOMINANT OR RECESSIVE; Pseudohypoaldosteronism Type IID. Identifiers: Orphanet 300525, Orphanet 757, MedGen C3469605, MONDO:0013781, OMIM 614495.

Allele frequency attached by ClinVar (database versions not stated): ExAC 0.00008; gnomAD 0.00020; ESP Exome Variant Server 0.00031; 1000 Genomes Project 0.00040; 1000 Genomes Project 30x 0.00062.
gnomAD v4.1: 67 of 1,610,452 alleles (0.0042%); highest among the groups gnomAD compares: African/African-American, 0.081%; no homozygotes.

Submissions (2):

Fulgent Genetics
Classification: Uncertain significance for Pseudohypoaldosteronism type 2D. Last evaluated: 2024-01-05. Review status: criteria provided, single submitter. Criteria: ACMG Guidelines, 2015. Collection method: clinical testing. Allele origin: germline.

Labcorp Genetics (formerly Invitae), Labcorp
Classification: Uncertain significance. Last evaluated: 2022-08-05. Review status: criteria provided, single submitter. Criteria: Invitae Variant Classification Sherloc (09022015). Collection method: clinical testing. Allele origin: germline.
Comment: In summary, the available evidence is currently insufficient to determine the role of this variant in disease. Therefore, it has been classified as a Variant of Uncertain Significance. Variants that disrupt the consensus splice site are a relatively common cause of aberrant splicing (PMID: 17576681, 9536098). Algorithms developed to predict the effect of sequence changes on RNA splicing suggest that this variant is not likely to affect RNA splicing. This variant has not been reported in the literature in individuals affected with KLHL3-related conditions. The frequency data for this variant in the population databases is considered unreliable, as metrics indicate poor data quality at this position in the gnomAD database. This sequence change falls in intron 5 of the KLHL3 gene. It does not directly change the encoded amino acid sequence of the KLHL3 protein. It affects a nucleotide within the consensus splice site.

Literature cited by the submitters: PubMed 17576681 (cited by Labcorp Genetics (formerly Invitae), Labcorp); PubMed 9536098 (cited by Labcorp Genetics (formerly Invitae), Labcorp).